The following is an entry in ClinVar:

ClinVar aggregate classification (germline): Pathogenic/Likely pathogenic. Review status: criteria provided, multiple submitters, no conflicts (2 of 4 stars). 7 submissions from 7 submitters: Pathogenic (5); Likely pathogenic (1). 1 of the submissions does not count toward it. Last evaluated 2025-05-14.

Conditions:
Kohlschutter-Tonz syndrome-like. Also called: DEN HOED-DE BOER-VOISIN SYNDROME. Identifiers: MedGen C5543202, MONDO:0030990, OMIM 619229.

Submissions (7):

Variantyx, Inc.
Classification: Pathogenic for Kohlschutter-Tonz syndrome-like. Last evaluated: 2025-05-14. Review status: criteria provided, single submitter. Criteria: Variantyx Assertion Criteria 2022. Collection method: clinical testing. Allele origin: de novo. Inheritance: Autosomal dominant inheritance. Affected: yes.
Comment: This is a nonsynonymous variant in the SATB1 gene (OMIM: 602075). Pathogenic variants in this gene have been associated with autosomal dominant den Hoed-de Boer-Voisin syndrome. Computational algorithms produce conflicting evidence regarding the predicted functional impact of this variant (REVEL score: 0.545), but functional studies have shown that this variant alters SATB1 protein function (PMID: 33513338) (PS3). This variant is absent from control populations (PM2). Based on the current evidence, this variant is classified as pathogenic for autosomal dominant den Hoed-de Boer-Voisin syndrome.

3billion
Classification: Pathogenic for Kohlschutter-Tonz syndrome-like. Last evaluated: 2024-07-12. Review status: criteria provided, single submitter. Criteria: ACMG Guidelines, 2015. Collection method: clinical testing. Allele origin: germline. Affected: yes.
Comment: The variant is not observed in the gnomAD v4.0.0 dataset. Predicted Consequence/Location: Missense variant Functional studies provide strong evidence of the variant having a damaging effect on the gene or gene product (PMID: 33513338, 33513338). In silico tool predictions suggest damaging effect of the variant on gene or gene product [3Cnet: 0.65 (>=0.6, sensitivity 0.72 and precision 0.9)]. The same nucleotide change resulting in the same amino acid change has been previously reported as pathogenic/likely pathogenic with strong evidence (ClinVar ID: VCV001043590 /PMID: 33513338 /3billion dataset). The variant has been previously reported as de novo in a similarly affected individual (PMID: 33513338). The variant has been observed in multiple (>3) similarly affected unrelated individuals (PMID: 33513338). Different missense changes at the same codon (p.Glu530Gln, p.Glu530Gly) have been reported to be associated with SATB1 related disorder (PMID: 33513338). Therefore, this variant is classified as Pathogenic according to the recommendation of ACMG/AMP guideline.

Revvity Omics, Revvity
Classification: Likely pathogenic. Last evaluated: 2023-07-31. Review status: criteria provided, single submitter. Criteria: ACMG Guidelines, 2015. Collection method: clinical testing. Allele origin: germline.

CeGaT Center for Human Genetics Tuebingen
Classification: Pathogenic. Last evaluated: 2023-03-01. Review status: criteria provided, single submitter. Criteria: CeGaT Center For Human Genetics Tuebingen Variant Classification Criteria Version 2. Collection method: clinical testing. Allele origin: germline. Affected: yes. Observed: 1 variant allele.
Comment: SATB1: PS2, PM2, PS4:Moderate, PP2, PS3:Supporting

Institute for Clinical Genetics, University Hospital TU Dresden, University Hospital TU Dresden
Classification: Pathogenic. Last evaluated: 2022-08-08. Review status: criteria provided, single submitter. Criteria: ACMG Guidelines, 2015. Collection method: clinical testing. Allele origin: germline.
Comment: PS1, PM1, PM2_SUP, PS3

Labcorp Genetics (formerly Invitae), Labcorp
Classification: Pathogenic. Last evaluated: 2021-04-30. Review status: criteria provided, single submitter. Criteria: Invitae Variant Classification Sherloc (09022015). Collection method: clinical testing. Allele origin: germline.
Comment: For these reasons, this variant has been classified as Pathogenic. Experimental studies have shown that this variant affects SATB1 protein function (PMID: 33513338). This variant has been observed in individual(s) with clinical features of SATB1-related conditions (PMID: 33513338). In at least one individual the variant was observed to be de novo. This variant is not present in population databases (ExAC no frequency). This sequence change replaces glutamic acid with lysine at codon 530 of the SATB1 protein (p.Glu530Lys). The glutamic acid residue is highly conserved and there is a small physicochemical difference between glutamic acid and lysine.

OMIM
Classification: Pathogenic for DEN HOED-DE BOER-VOISIN SYNDROME. Last evaluated: 2023-07-05. Review status: no assertion criteria provided. Collection method: literature only. Allele origin: germline. Not counted in ClinVar's aggregate classification.

Literature cited by the submitters: PubMed 33513338 (cited by 4 submitters).

NM_002971.6(SATB1):c.1588G>A (p.Glu530Lys)

Gene: SATB1 (SATB homeobox 1; minus strand). Cytogenetic location: 3p24.3.
Variant type: single nucleotide variant.
Coding change: c.1588G>A on transcript NM_002971.6 (MANE Select); coding-DNA position 1588, G replaced by A.
Protein change: p.Glu530Lys; replaces glutamic acid 530 with lysine.
Molecular consequence: missense variant.
Genome position (GRCh38, 1-based): chr3:18,352,183, C>T on the plus strand (G>A on the coding strand, the complement: SATB1 is on the minus strand). VCF-style: chr3-18352183-C-T. GRCh37 (hg19) VCF-style: chr3-18393675-C-T.
Other names: c.1588G>A, p.Glu530Lys (NM_001131010.4, NM_001195470.3, NM_001322871.2 and 4 more transcripts); c.1372G>A, p.Glu458Lys (NM_001322876.2); short protein forms E530K, E458K.
Identifiers: ClinVar variation 1043590 (VCV001043590.45), dbSNP rs1694399198, ClinGen allele CA351855107.